The following is an entry in ClinVar:

NM_015459.5(ATL3):c.749G>A (p.Arg250Gln)

Genes: ATL3 (atlastin GTPase 3; minus strand), LNCROPM (lncRNA regulator of PLAAT3 mediated phospholipid metabolism; plus strand). Cytogenetic location: 11q13.1.
Variant type: single nucleotide variant.
Coding change: c.749G>A on transcript NM_015459.5 (MANE Select); coding-DNA position 749, G replaced by A.
Protein change: p.Arg250Gln; replaces arginine 250 with glutamine.
Molecular consequence: missense variant.
Genome position (GRCh38, 1-based): chr11:63,643,458, C>T on the plus strand (G>A on the coding strand, the complement: ATL3 is on the minus strand). VCF-style: chr11-63643458-C-T. GRCh37 (hg19) VCF-style: chr11-63410930-C-T.
Other names: c.749G>A (NM_015459.4); c.695G>A, p.Arg232Gln (NM_001290048.2); short protein forms R250Q, R232Q.
Identifiers: ClinVar variation 2709207 (VCV002709207.5), dbSNP rs1332337296, ClinGen allele CA381024406.

ClinVar aggregate classification (germline): Uncertain significance. Review status: criteria provided, multiple submitters, no conflicts (2 of 4 stars). 3 submissions from 3 submitters: Uncertain significance (3). Last evaluated 2024-05-21.

Conditions:
Neuropathy, hereditary sensory, type 1F. Also called: HSN IF; Hereditary sensory neuropathy type IF. Identifiers: Orphanet 36386, MedGen C3810194, MONDO:0014286, OMIM 615632.

Allele frequency attached by ClinVar (database versions not stated): gnomAD exomes below 0.00001.
gnomAD v4.1: 2 of 1,612,616 alleles (0.00012%); highest among the groups gnomAD compares: South Asian, 0.0011%; no homozygotes.

Submissions (3):

GeneDx
Classification: Uncertain significance. Last evaluated: 2024-05-21. Review status: criteria provided, single submitter. Criteria: GeneDx Variant Classification Process June 2021. Collection method: clinical testing. Allele origin: germline. Affected: yes.
Comment: Not observed at significant frequency in large population cohorts (gnomAD); In silico analysis supports that this missense variant has a deleterious effect on protein structure/function; Has not been previously published as pathogenic or benign to our knowledge

Labcorp Genetics (formerly Invitae), Labcorp
Classification: Uncertain significance for Neuropathy, hereditary sensory, type 1F. Last evaluated: 2023-10-03. Review status: criteria provided, single submitter. Criteria: Invitae Variant Classification Sherloc (09022015). Collection method: clinical testing. Allele origin: germline.
Comment: This sequence change replaces arginine, which is basic and polar, with glutamine, which is neutral and polar, at codon 250 of the ATL3 protein (p.Arg250Gln). This variant is present in population databases (no rsID available, gnomAD 0.0009%). This variant has not been reported in the literature in individuals affected with ATL3-related conditions. Advanced modeling of protein sequence and biophysical properties (such as structural, functional, and spatial information, amino acid conservation, physicochemical variation, residue mobility, and thermodynamic stability) performed at Invitae indicates that this missense variant is expected to disrupt ATL3 protein function. In summary, the available evidence is currently insufficient to determine the role of this variant in disease. Therefore, it has been classified as a Variant of Uncertain Significance.

Blueprint Genetics
Classification: Uncertain significance. Last evaluated: 2020-03-17. Review status: criteria provided, single submitter. Criteria: ACMG Guidelines, 2015. Collection method: clinical testing. Allele origin: germline.